The following is an entry in ClinVar:

NM_014989.7(RIMS1):c.659C>T (p.Thr220Ile)

Gene: RIMS1 (regulating synaptic membrane exocytosis 1; plus strand). Cytogenetic location: 6q13.
Variant type: single nucleotide variant.
Coding change: c.659C>T on transcript NM_014989.7 (MANE Select); coding-DNA position 659, C replaced by T.
Protein change: p.Thr220Ile; replaces threonine 220 with isoleucine.
Molecular consequence: missense variant.
Genome position (GRCh38, 1-based): chr6:72,179,762, C>T. VCF-style: chr6-72179762-C-T. GRCh37 (hg19) VCF-style: chr6-72889465-C-T.
Other names: short protein forms T220I.
Identifiers: ClinVar variation 2127013 (VCV002127013.4), dbSNP rs2048179268, ClinGen allele CA364818623.

ClinVar aggregate classification (germline): Uncertain significance (1 of 4 stars; one submission).

gnomAD v4.1: 2 of 1,613,826 alleles (0.00012%); no homozygotes.

Submission:

Labcorp Genetics (formerly Invitae), Labcorp
Classification: Uncertain significance. Last evaluated: 2024-10-16. Review status: criteria provided, single submitter. Criteria: Invitae Variant Classification Sherloc (09022015). Collection method: clinical testing. Allele origin: germline.
Comment: This sequence change replaces threonine, which is neutral and polar, with isoleucine, which is neutral and non-polar, at codon 220 of the RIMS1 protein (p.Thr220Ile). This variant is not present in population databases (gnomAD no frequency). This variant has not been reported in the literature in individuals affected with RIMS1-related conditions. ClinVar contains an entry for this variant (Variation ID: 2127013). An algorithm developed to predict the effect of missense changes on protein structure and function (PolyPhen-2) suggests that this variant is likely to be disruptive. In summary, the available evidence is currently insufficient to determine the role of this variant in disease. Therefore, it has been classified as a Variant of Uncertain Significance.